The following is an entry in ClinVar:

NM_001256715.2(DNAAF3):c.890C>T (p.Thr297Met)

Genes: DNAAF3-AS1 (DNAAF3 antisense RNA 1; plus strand), DNAAF3 (dynein axonemal assembly factor 3; minus strand). Cytogenetic location: 19q13.42.
Variant type: single nucleotide variant.
Coding change: c.890C>T on transcript NM_001256715.2 (MANE Select); coding-DNA position 890, C replaced by T.
Protein change: p.Thr297Met; replaces threonine 297 with methionine.
Molecular consequence: missense variant.
Genome position (GRCh38, 1-based): chr19:55,161,087, G>A on the plus strand (C>T on the coding strand, the complement: DNAAF3 is on the minus strand). VCF-style: chr19-55161087-G-A. GRCh37 (hg19) VCF-style: chr19-55672455-G-A.
Other names: c.1094C>T, p.Thr365Met (NM_001256714.1); c.728C>T, p.Thr243Met (NM_001256716.2); c.1031C>T, p.Thr344Met (NM_178837.4); short protein forms T365M, T344M, T297M, T243M.
Identifiers: ClinVar variation 330214 (VCV000330214.17), dbSNP rs549181425, ClinGen allele CA9668030.

ClinVar aggregate classification (germline): Uncertain significance. Review status: criteria provided, multiple submitters, no conflicts (2 of 4 stars). 4 submissions from 4 submitters: Uncertain significance (4). Last evaluated 2026-03-30.

Conditions:
Primary ciliary dyskinesia. Also called: Ciliary dyskinesia. Identifiers: Orphanet 244, MedGen C0008780, MONDO:0016575, HP:0012265.
Primary ciliary dyskinesia 2. Also called: CILIARY DYSKINESIA, PRIMARY, 2, WITH OR WITHOUT SITUS INVERSUS. Identifiers: Orphanet 244, MedGen C1847554, MONDO:0011718, OMIM 606763.

Allele frequency attached by ClinVar (database versions not stated): TOPMed 0.00006; ExAC 0.00020; gnomAD 0.00006.

Submissions (4):

Ambry Genetics
Classification: Uncertain significance for Primary ciliary dyskinesia. Last evaluated: 2026-03-30. Review status: criteria provided, single submitter. Criteria: Ambry Variant Classification Scheme 2023. Collection method: clinical testing. Allele origin: germline.
Comment: The p.T365M variant (also known as c.1094C>T), located in coding exon 8 of the DNAAF3 gene, results from a C to T substitution at nucleotide position 1094. The threonine at codon 365 is replaced by methionine, an amino acid with similar properties. This amino acid position is conserved. In addition, this alteration is predicted to be tolerated by in silico analysis. Based on the available evidence, the clinical significance of this variant remains unclear.

Blueprint Genetics
Classification: Uncertain significance. Last evaluated: 2024-09-09. Review status: criteria provided, single submitter. Criteria: ACMG Guidelines, 2015. Collection method: clinical testing. Allele origin: germline.

Labcorp Genetics (formerly Invitae), Labcorp
Classification: Uncertain significance for Primary ciliary dyskinesia. Last evaluated: 2022-07-19. Review status: criteria provided, single submitter. Criteria: Invitae Variant Classification Sherloc (09022015). Collection method: clinical testing. Allele origin: germline.
Comment: This sequence change replaces threonine, which is neutral and polar, with methionine, which is neutral and non-polar, at codon 365 of the DNAAF3 protein (p.Thr365Met). This variant is present in population databases (rs549181425, gnomAD 0.04%). This variant has not been reported in the literature in individuals affected with DNAAF3-related conditions. ClinVar contains an entry for this variant (Variation ID: 330214). Algorithms developed to predict the effect of missense changes on protein structure and function are either unavailable or do not agree on the potential impact of this missense change (SIFT: "Deleterious"; PolyPhen-2: "Probably Damaging"; Align-GVGD: "Class C0"). In summary, the available evidence is currently insufficient to determine the role of this variant in disease. Therefore, it has been classified as a Variant of Uncertain Significance.

Revvity Omics, Revvity
Classification: Uncertain significance for Primary ciliary dyskinesia 2. Last evaluated: 2021-11-29. Review status: criteria provided, single submitter. Criteria: ACMG Guidelines, 2015. Collection method: clinical testing. Allele origin: germline.